The following is an entry in ClinVar:

NM_001164664.2(MAST4):c.336C>T (p.Ser112=)

Genes: MAST4 (microtubule associated serine/threonine kinase family member 4; plus strand), LOC129993990 (ATAC-STARR-seq lymphoblastoid silent region 16066; plus strand). Cytogenetic location: 5q12.3.
Variant type: single nucleotide variant.
Coding change: c.336C>T on transcript NM_001164664.2 (MANE Select); coding-DNA position 336, C replaced by T.
Protein change: p.Ser112=; no amino-acid change (serine 112 retained).
Molecular consequence: synonymous variant.
Genome position (GRCh38, 1-based): chr5:66,596,991, C>T. VCF-style: chr5-66596991-C-T. GRCh37 (hg19) VCF-style: chr5-65892819-C-T.
Other names: c.336C>T, p.Ser112= (NM_001290228.2, NM_001393524.1, NM_001393525.1 and 1 more transcripts).
Identifiers: ClinVar variation 2655496 (VCV002655496.24), dbSNP rs546671806, ClinGen allele CA3287395.

ClinVar aggregate classification (germline): Likely benign (1 of 4 stars; one submission).

Allele frequency attached by ClinVar (database versions not stated): gnomAD exomes 0.00003; ExAC 0.00015; 1000 Genomes Project 30x 0.00016; 1000 Genomes Project 0.00020; gnomAD 0.00029; TOPMed 0.00034.
gnomAD v4.1: 89 of 1,451,470 alleles (0.0061%); highest among the groups gnomAD compares: African/African-American, 0.094%; no homozygotes.

Submission:

CeGaT Center for Human Genetics Tuebingen
Classification: Likely benign. Last evaluated: 2023-04-01. Review status: criteria provided, single submitter. Criteria: CeGaT Center For Human Genetics Tuebingen Variant Classification Criteria Version 2. Collection method: clinical testing. Allele origin: germline. Affected: yes. Observed: 1 variant allele.
Comment: MAST4: BP4, BP7